The following is an entry in ClinVar:

NM_133459.4(CCBE1):c.361C>T (p.Arg121Trp)

Gene: CCBE1 (collagen and calcium binding EGF domains 1; minus strand). Cytogenetic location: 18q21.32.
Variant type: single nucleotide variant.
Coding change: c.361C>T on transcript NM_133459.4 (MANE Select); coding-DNA position 361, C replaced by T.
Protein change: p.Arg121Trp; replaces arginine 121 with tryptophan.
Molecular consequence: missense variant.
Genome position (GRCh38, 1-based): chr18:59,469,512, G>A on the plus strand (C>T on the coding strand, the complement: CCBE1 is on the minus strand). VCF-style: chr18-59469512-G-A. GRCh37 (hg19) VCF-style: chr18-57136744-G-A.
Other names: short protein forms R121W.
Identifiers: ClinVar variation 1399630 (VCV001399630.3), dbSNP rs138933353, ClinGen allele CA8980524.

ClinVar aggregate classification (germline): Uncertain significance (1 of 4 stars; one submission).

Allele frequency attached by ClinVar (database versions not stated): gnomAD 0.00010 and 0.00011; ESP Exome Variant Server 0.00023.

Submission:

Labcorp Genetics (formerly Invitae), Labcorp
Classification: Uncertain significance. Last evaluated: 2022-09-27. Review status: criteria provided, single submitter. Criteria: Invitae Variant Classification Sherloc (09022015). Collection method: clinical testing. Allele origin: germline.
Comment: This sequence change replaces arginine, which is basic and polar, with tryptophan, which is neutral and slightly polar, at codon 121 of the CCBE1 protein (p.Arg121Trp). This variant is present in population databases (rs138933353, gnomAD 0.04%). This variant has not been reported in the literature in individuals affected with CCBE1-related conditions. ClinVar contains an entry for this variant (Variation ID: 1399630). Advanced modeling of protein sequence and biophysical properties (such as structural, functional, and spatial information, amino acid conservation, physicochemical variation, residue mobility, and thermodynamic stability) performed at Invitae indicates that this missense variant is expected to disrupt CCBE1 protein function. In summary, the available evidence is currently insufficient to determine the role of this variant in disease. Therefore, it has been classified as a Variant of Uncertain Significance.